The following is an entry in ClinVar:

ClinVar aggregate classification (germline): Uncertain significance (1 of 4 stars; one submission).

Submission:

Labcorp Genetics (formerly Invitae), Labcorp
Classification: Uncertain significance. Last evaluated: 2021-10-18. Review status: criteria provided, single submitter. Criteria: Invitae Variant Classification Sherloc (09022015). Collection method: clinical testing. Allele origin: germline.
Comment: In summary, the available evidence is currently insufficient to determine the role of this variant in disease. Therefore, it has been classified as a Variant of Uncertain Significance. Algorithms developed to predict the effect of missense changes on protein structure and function are either unavailable or do not agree on the potential impact of this missense change (SIFT: "Tolerated"; PolyPhen-2: "Possibly Damaging"; Align-GVGD: "Class C0"). This variant has not been reported in the literature in individuals affected with VPS13C-related conditions. This variant is not present in population databases (ExAC no frequency). This sequence change replaces alanine with valine at codon 2844 of the VPS13C protein (p.Ala2844Val). The alanine residue is highly conserved and there is a small physicochemical difference between alanine and valine.

NM_020821.3(VPS13C):c.8531C>T (p.Ala2844Val)

Gene: VPS13C (vacuolar protein sorting 13 homolog C; minus strand). Cytogenetic location: 15q22.2.
Variant type: single nucleotide variant.
Coding change: c.8531C>T on transcript NM_020821.3 (MANE Select); coding-DNA position 8531, C replaced by T.
Protein change: p.Ala2844Val; replaces alanine 2844 with valine.
Molecular consequence: missense variant.
Genome position (GRCh38, 1-based): chr15:61,913,330, G>A on the plus strand (C>T on the coding strand, the complement: VPS13C is on the minus strand). VCF-style: chr15-61913330-G-A. GRCh37 (hg19) VCF-style: chr15-62205529-G-A.
Other names: c.8531C>T, p.Ala2844Val (NM_001018088.3); c.8402C>T, p.Ala2801Val (NM_017684.5, NM_018080.4); short protein forms A2844V, A2801V.
Identifiers: ClinVar variation 1355557 (VCV001355557.6), dbSNP rs748632677, ClinGen allele CA392676705.